The following is an entry in ClinVar:

ClinVar aggregate classification (germline): Uncertain significance (1 of 4 stars; one submission).

Conditions:
Amyotrophic lateral sclerosis type 15. Also called: AMYOTROPHIC LATERAL SCLEROSIS 15 WITH FRONTOTEMPORAL DEMENTIA. Identifiers: Orphanet 803, MedGen C3275459, MONDO:0010459, OMIM 300857.

Allele frequency attached by ClinVar (database versions not stated): gnomAD exomes 0.00001; TOPMed 0.00001.
gnomAD v4.1: 6 of 1,201,716 alleles (0.0005%); highest among the groups gnomAD compares: African/African-American, 0.0017%; no homozygotes.

Submission:

Labcorp Genetics (formerly Invitae), Labcorp
Classification: Uncertain significance for Amyotrophic lateral sclerosis type 15. Last evaluated: 2025-07-27. Review status: criteria provided, single submitter. Criteria: Invitae Variant Classification Sherloc (09022015). Collection method: clinical testing. Allele origin: germline.
Comment: This sequence change replaces threonine, which is neutral and polar, with methionine, which is neutral and non-polar, at codon 534 of the UBQLN2 protein (p.Thr534Met). The frequency data for this variant in the population databases is considered unreliable, as metrics indicate poor data quality at this position in the gnomAD database. This variant has not been reported in the literature in individuals affected with UBQLN2-related conditions. ClinVar contains an entry for this variant (Variation ID: 1898099). Experimental studies and prediction algorithms are not available or were not evaluated, and the functional significance of this variant is currently unknown. In summary, the available evidence is currently insufficient to determine the role of this variant in disease. Therefore, it has been classified as a Variant of Uncertain Significance.

NM_013444.4(UBQLN2):c.1601C>T (p.Thr534Met)

Gene: UBQLN2 (ubiquilin 2; plus strand). Cytogenetic location: Xp11.21.
Variant type: single nucleotide variant.
Coding change: c.1601C>T on transcript NM_013444.4 (MANE Select); coding-DNA position 1601, C replaced by T.
Protein change: p.Thr534Met; replaces threonine 534 with methionine.
Molecular consequence: missense variant.
Genome position (GRCh38, 1-based): chrX:56,565,474, C>T. VCF-style: chrX-56565474-C-T. GRCh37 (hg19) VCF-style: chrX-56591907-C-T.
Other names: short protein forms T534M.
Identifiers: ClinVar variation 1898099 (VCV001898099.5), dbSNP rs954774771, ClinGen allele CA330041901.